The following is an entry in ClinVar:

NM_000038.6(APC):c.6643C>G (p.Gln2215Glu)

Gene: APC (APC regulator of Wnt signaling pathway; plus strand). Cytogenetic location: 5q22.2.
Variant type: single nucleotide variant.
Coding change: c.6643C>G on transcript NM_000038.6 (MANE Select); coding-DNA position 6643, C replaced by G.
Protein change: p.Gln2215Glu; replaces glutamine 2215 with glutamic acid.
Molecular consequence: missense variant.
Genome position (GRCh38, 1-based): chr5:112,842,237, C>G. VCF-style: chr5-112842237-C-G. GRCh37 (hg19) VCF-style: chr5-112177934-C-G.
Other names: c.6643C>G, p.Gln2215Glu (NM_001127510.3, NM_001354895.2); c.6589C>G, p.Gln2197Glu (NM_001127511.3); c.6697C>G, p.Gln2233Glu (NM_001354896.2); c.6673C>G, p.Gln2225Glu (NM_001354897.2); c.6568C>G, p.Gln2190Glu (NM_001354898.2); c.6559C>G, p.Gln2187Glu (NM_001354899.2); c.6520C>G, p.Gln2174Glu (NM_001354900.2); c.6466C>G, p.Gln2156Glu (NM_001354901.2); and 5 more; short protein forms Q1932E, Q2124E, Q2190E, Q2225E, Q2055E, Q2114E, Q2156E, Q2197E.
Identifiers: ClinVar variation 826529 (VCV000826529.13), dbSNP rs1580673151, ClinGen allele CA16035863.

ClinVar aggregate classification (germline): Uncertain significance. Review status: criteria provided, multiple submitters, no conflicts (2 of 4 stars). 2 submissions from 2 submitters: Uncertain significance (2). Last evaluated 2025-07-05.

Conditions:
Hereditary cancer-predisposing syndrome. Also called: Neoplastic Syndromes, Hereditary; Tumor predisposition; Hereditary neoplastic syndrome; Hereditary Cancer Syndrome. Identifiers: Orphanet 140162, MedGen C0027672, MeSH D009386, MONDO:0015356.
Familial adenomatous polyposis 1 (FAP1). Also called: POLYPOSIS, ADENOMATOUS INTESTINAL; FAMILIAL ADENOMATOUS POLYPOSIS 1, ATTENUATED. Identifiers: MedGen C2713442, MONDO:0021056, OMIM 175100. Disease mechanism: loss of function.

Submissions (2):

Ambry Genetics
Classification: Uncertain significance for Hereditary cancer-predisposing syndrome. Last evaluated: 2025-07-05. Review status: criteria provided, single submitter. Criteria: Ambry Variant Classification Scheme 2023. Collection method: clinical testing. Allele origin: germline.
Comment: The p.Q2215E variant (also known as c.6643C>G), located in coding exon 15 of the APC gene, results from a C to G substitution at nucleotide position 6643. The glutamine at codon 2215 is replaced by glutamic acid, an amino acid with highly similar properties. This amino acid position is highly conserved in available vertebrate species. In addition, in silico predictors for this gene do not accurately predict pathogenicity. Since supporting evidence is limited at this time, the clinical significance of this alteration remains unclear.

Labcorp Genetics (formerly Invitae), Labcorp
Classification: Uncertain significance for Familial adenomatous polyposis 1. Last evaluated: 2024-07-11. Review status: criteria provided, single submitter. Criteria: Invitae Variant Classification Sherloc (09022015). Collection method: clinical testing. Allele origin: germline.
Comment: This sequence change replaces glutamine, which is neutral and polar, with glutamic acid, which is acidic and polar, at codon 2215 of the APC protein (p.Gln2215Glu). This variant is not present in population databases (gnomAD no frequency). This variant has not been reported in the literature in individuals affected with APC-related conditions. ClinVar contains an entry for this variant (Variation ID: 826529). Advanced modeling of protein sequence and biophysical properties (such as structural, functional, and spatial information, amino acid conservation, physicochemical variation, residue mobility, and thermodynamic stability) performed at Invitae indicates that this missense variant is not expected to disrupt APC protein function with a negative predictive value of 95%. In summary, the available evidence is currently insufficient to determine the role of this variant in disease. Therefore, it has been classified as a Variant of Uncertain Significance.